The following is an entry in ClinVar:

NC_000016.10:g.(?_68737292)_(68738411_?)del

Genes: CDH1 (cadherin 1; plus strand), LOC130059290 (ATAC-STARR-seq lymphoblastoid silent region 7650; plus strand). Cytogenetic location: 16q22.1.
Variant type: Deletion.
Identifiers: ClinVar variation 2503030 (VCV002503030.1).

ClinVar aggregate classification (germline): Pathogenic (1 of 4 stars; one submission).

Conditions:
Hereditary diffuse gastric adenocarcinoma (HDGC). Also called: DIFFUSE GASTRIC AND LOBULAR BREAST CANCER SYNDROME. Identifiers: Orphanet 26106, MedGen C1708349, MONDO:0007648, OMIM 137215.

Submission:

European Reference Network on Genetic Tumour Risk Syndromes (ERN-GENTURIS), i3s - Instituto de Investigação e Inovação em Saúde, University of Porto
Classification: Pathogenic for Hereditary diffuse gastric adenocarcinoma. Last evaluated: 2022-08-01. Review status: criteria provided, single submitter. Criteria: Lee et al. (Hum Mutat. 2018). Collection method: clinical testing. Allele origin: germline. Inheritance: Autosomal dominant inheritance. Affected: yes. Study: ERN GENTURIS.
Comment: PVS1; PS4; PM2 (PMID: 30311375)

Literature cited by the submitters: PubMed 36436516.